The following is an entry in ClinVar:

ClinVar aggregate classification (germline): Benign/Likely benign. Review status: criteria provided, single submitter (1 of 4 stars). 3 submissions from 1 submitter: Benign (2); Likely benign (1). Last evaluated 2018-01-13.

Conditions:
Metachondromatosis (METCDS). Identifiers: Orphanet 2499, MedGen C0410530, MONDO:0007979, OMIM 156250.
LEOPARD syndrome 1 (LPRD1). Also called: LENTIGINOSIS, CARDIOMYOPATHIC; MULTIPLE LENTIGINES SYNDROME; PTPN11-Related LEOPARD Syndrome. Identifiers: Orphanet 500, MedGen C4551484, MONDO:0100082, OMIM 151100.
Noonan syndrome 1 (NS1). Also called: TURNER PHENOTYPE WITH NORMAL KARYOTYPE; PTPN11-Related Noonan Syndrome; FEMALE PSEUDO-TURNER SYNDROME. Identifiers: Orphanet 648, MedGen C4551602, MONDO:0008104, OMIM 163950. Disease mechanism: gain of function.

Allele frequency attached by ClinVar (database versions not stated): gnomAD 0.00001 and 0.00008; TOPMed 0.00003; 1000 Genomes Project 0.00060; 1000 Genomes Project 30x 0.00062.

Submissions (3):

Illumina Laboratory Services, Illumina
Classification: Benign for Metachondromatosis. Last evaluated: 2018-01-13. Review status: criteria provided, single submitter. Criteria: ICSL Variant Classification Criteria 13 December 2019. Collection method: clinical testing. Allele origin: germline.
Comment: This variant was observed in the ICSL laboratory as part of a predisposition screen in an ostensibly healthy population. It had not been previously curated by ICSL or reported in the Human Gene Mutation Database (HGMD: prior to June 1st, 2018), and was therefore a candidate for classification through an automated scoring system. Utilizing variant allele frequency, disease prevalence and penetrance estimates, and inheritance mode, an automated score was calculated to assess if this variant is too frequent to cause the disease. Based on the score and internal cut-off values, a variant classified as benign is not then subjected to further curation. The score for this variant resulted in a classification of benign for this disease.

Illumina Laboratory Services, Illumina
Classification: Benign for LEOPARD syndrome 1. Last evaluated: 2018-01-13. Review status: criteria provided, single submitter. Criteria: ICSL Variant Classification Criteria 13 December 2019. Collection method: clinical testing. Allele origin: germline.
Comment: the same text as in the submission from Illumina Laboratory Services, Illumina above.

Illumina Laboratory Services, Illumina
Classification: Likely benign for Noonan syndrome 1. Last evaluated: 2018-01-13. Review status: criteria provided, single submitter. Criteria: ICSL Variant Classification Criteria 13 December 2019. Collection method: clinical testing. Allele origin: germline.
Comment: This variant was observed in the ICSL laboratory as part of a predisposition screen in an ostensibly healthy population. It had not been previously curated by ICSL or reported in the Human Gene Mutation Database (HGMD: prior to June 1st, 2018), and was therefore a candidate for classification through an automated scoring system. Utilizing variant allele frequency, disease prevalence and penetrance estimates, and inheritance mode, an automated score was calculated to assess if this variant is too frequent to cause the disease. Based on the score and internal cut-off values, a variant classified as likely benign is not then subjected to further curation. The score for this variant resulted in a classification of likely benign for this disease.

NM_002834.5(PTPN11):c.*329T>C

Gene: PTPN11 (protein tyrosine phosphatase non-receptor type 11; plus strand). Cytogenetic location: 12q24.13.
Variant type: single nucleotide variant.
Coding change: c.*329T>C on transcript NM_002834.5 (MANE Select); 329 bases downstream of the stop codon, T replaced by C.
Molecular consequence: 3 prime UTR variant.
Genome position (GRCh38, 1-based): chr12:112,506,121, T>C. VCF-style: chr12-112506121-T-C. GRCh37 (hg19) VCF-style: chr12-112943925-T-C.
Other names: c.*329T>C (NM_001330437.2, NM_001374625.1).
Identifiers: ClinVar variation 307229 (VCV000307229.5), dbSNP rs576039073, ClinGen allele CA10632051.
Genomic context (GRCh38, chr12:112,506,121, plus strand): 5'-AATTTGTTTGAAATTGAGGAAGCAGTTAAATTGTGCGCTGTATTTTGCAGATTATGGGGA[T>C]TCAAATTCTAGTAATAGGCTTTTTTATTTTTATTTTTATACCCTTAACCAGTTTAATTTT-3'